The following is an entry in ClinVar:

ClinVar aggregate classification (germline): Uncertain significance. Review status: criteria provided, multiple submitters, no conflicts (2 of 4 stars). 3 submissions from 3 submitters: Uncertain significance (3). Last evaluated 2025-08-30.

Conditions:
Inborn genetic diseases. Identifiers: MedGen C0950123, MeSH D030342.
Familial focal epilepsy with variable foci (FPEVF). Identifiers: Orphanet 98820, MedGen C1858477, MONDO:0020310.

Allele frequency attached by ClinVar (database versions not stated): gnomAD exomes 0.00002 and below 0.00001; gnomAD 0.00003 and 0.00004; ESP Exome Variant Server 0.00008; ExAC 0.00002; TOPMed 0.00004.
gnomAD v4.1: 8 of 1,613,996 alleles (0.0005%); highest among the groups gnomAD compares: African/African-American, 0.011%; no homozygotes.

Submissions (3):

Labcorp Genetics (formerly Invitae), Labcorp
Classification: Uncertain significance for Familial focal epilepsy with variable foci. Last evaluated: 2025-08-30. Review status: criteria provided, single submitter. Criteria: Invitae Variant Classification Sherloc (09022015). Collection method: clinical testing. Allele origin: germline.
Comment: This sequence change replaces proline, which is neutral and non-polar, with alanine, which is neutral and non-polar, at codon 676 of the DEPDC5 protein (p.Pro676Ala). This variant is present in population databases (rs199603004, gnomAD 0.02%). This variant has not been reported in the literature in individuals affected with DEPDC5-related conditions. ClinVar contains an entry for this variant (Variation ID: 590145). Experimental studies and prediction algorithms are not available or were not evaluated, and the functional significance of this variant is currently unknown. In summary, the available evidence is currently insufficient to determine the role of this variant in disease. Therefore, it has been classified as a Variant of Uncertain Significance.

GeneDx
Classification: Uncertain significance. Last evaluated: 2024-12-20. Review status: criteria provided, single submitter. Criteria: GeneDx Variant Classification Process June 2021. Collection method: clinical testing. Allele origin: germline. Affected: yes.
Comment: In silico analysis indicates that this missense variant does not alter protein structure/function; Has not been previously published as pathogenic or benign to our knowledge

Ambry Genetics
Classification: Uncertain significance for Inborn genetic diseases. Last evaluated: 2017-05-19. Review status: criteria provided, single submitter. Criteria: Ambry Variant Classification Scheme 2023. Collection method: clinical testing. Allele origin: germline.
Comment: The p.P676A variant (also known as c.2026C>G), located in coding exon 23 of the DEPDC5 gene, results from a C to G substitution at nucleotide position 2026. The proline at codon 676 is replaced by alanine, an amino acid with highly similar properties. This amino acid position is highly conserved in available vertebrate species. In addition, this alteration is predicted to be tolerated by in silico analysis. Since supporting evidence is limited at this time, the clinical significance of this alteration remains unclear.

NM_001242896.3(DEPDC5):c.2026C>G (p.Pro676Ala)

Gene: DEPDC5 (DEP domain containing 5, GATOR1 subcomplex subunit; plus strand). Cytogenetic location: 22q12.3.
Variant type: single nucleotide variant.
Coding change: c.2026C>G on transcript NM_001242896.3 (MANE Select); coding-DNA position 2026, C replaced by G.
Protein change: p.Pro676Ala; replaces proline 676 with alanine.
Molecular consequence: missense variant. On other transcripts: non-coding transcript variant (4), intron variant (3).
Genome position (GRCh38, 1-based): chr22:31,822,712, C>G. VCF-style: chr22-31822712-C-G. GRCh37 (hg19) VCF-style: chr22-32218698-C-G.
Other names: c.2026C>G, p.Pro676Ala (NM_001136029.4, NM_001363852.2, NM_001364318.2 and 3 more transcripts); c.1942C>G, p.Pro648Ala (NM_001369901.1, NM_001369902.1); c.1870+3487C>G (NM_001363854.2, NM_001242897.2, NM_001364319.2); short protein forms P676A, P648A.
Identifiers: ClinVar variation 590145 (VCV000590145.14), dbSNP rs199603004, ClinGen allele CA10196547.
Genomic context (GRCh38, chr22:31,822,712, plus strand): 5'-GATCTACATTAAGCCAGGTGGCTGGGCTCTGTTCTCTGCAGGCACAGCAATTCCCGCCAG[C>G]CTGGTGACGGCATGTCCTTCTTGAACTTCAGTGGAACAGAGGAGCTTTCTGTCGGCCTGC-3'
Protein context (NP_001229825.1, residues 666-686): AAGRHSNSRQ[Pro676Ala]GDGMSFLNFS